The following is an entry in ClinVar:

ClinVar aggregate classification (germline): Pathogenic (1 of 4 stars; one submission).

Conditions:
Joubert syndrome 14 (JBTS14). Identifiers: MedGen C3280766, MONDO:0013745, OMIM 614424.

Submission:

Labcorp Genetics (formerly Invitae), Labcorp
Classification: Pathogenic for Joubert syndrome 14. Last evaluated: 2022-04-01. Review status: criteria provided, single submitter. Criteria: Invitae Variant Classification Sherloc (09022015). Collection method: clinical testing. Allele origin: germline.
Comment: For these reasons, this variant has been classified as Pathogenic. This variant has not been reported in the literature in individuals affected with TMEM237-related conditions. This variant is not present in population databases (gnomAD no frequency). This sequence change creates a premature translational stop signal (p.Ser232Phefs*58) in the TMEM237 gene. It is expected to result in an absent or disrupted protein product. Loss-of-function variants in TMEM237 are known to be pathogenic (PMID: 22152675).

Literature cited by the submitters: PubMed 22152675.

NM_001044385.3(TMEM237):c.694dup (p.Ser232fs)

Gene: TMEM237 (transmembrane protein 237; minus strand). Cytogenetic location: 2q33.1.
Variant type: Duplication.
Coding change: c.694dup on transcript NM_001044385.3 (MANE Select); coding-DNA position 694, one base duplicated (T; older notation c.694dupT).
Protein change: p.Ser232fs; shifts the reading frame from serine 232.
Molecular consequence: frameshift variant.
Genome position (GRCh38, 1-based): chr2:201,629,405, A duplicated on the plus strand (T on the coding strand, the reverse complement: TMEM237 is on the minus strand); the first of 4 consecutive A bases (chr2:201,629,405-201,629,408); duplicating any one gives the same sequence. VCF-style (leftmost placement, unchanged base first): chr2-201629404-G-GA. GRCh37 (hg19) VCF-style: chr2-202494127-G-GA.
Other names: c.670dup, p.Ser224fs (NM_152388.4); short protein forms S232fs, S224fs.
Identifiers: ClinVar variation 2120625 (VCV002120625.4), dbSNP rs2469493635, ClinGen allele CA2580065462.